The following is an entry in ClinVar:

ClinVar aggregate classification (germline): Uncertain significance. Review status: criteria provided, multiple submitters, no conflicts (2 of 4 stars). 2 submissions from 2 submitters: Uncertain significance (2). Last evaluated 2024-02-16.

Conditions:
Tuberous sclerosis 2 (TSC2). Identifiers: Orphanet 805, MedGen C1860707, MONDO:0013199, OMIM 613254.
Hereditary cancer-predisposing syndrome. Also called: Neoplastic Syndromes, Hereditary; Hereditary neoplastic syndrome; Hereditary Cancer Syndrome; Tumor predisposition. Identifiers: Orphanet 140162, MedGen C0027672, MeSH D009386, MONDO:0015356.

Submissions (2):

Labcorp Genetics (formerly Invitae), Labcorp
Classification: Uncertain significance for Tuberous sclerosis 2. Last evaluated: 2024-02-16. Review status: criteria provided, single submitter. Criteria: Invitae Variant Classification Sherloc (09022015). Collection method: clinical testing. Allele origin: germline.
Comment: This sequence change replaces arginine, which is basic and polar, with glycine, which is neutral and non-polar, at codon 1570 of the TSC2 protein (p.Arg1570Gly). This variant is not present in population databases (gnomAD no frequency). This variant has not been reported in the literature in individuals affected with TSC2-related conditions. ClinVar contains an entry for this variant (Variation ID: 998584). Advanced modeling of protein sequence and biophysical properties (such as structural, functional, and spatial information, amino acid conservation, physicochemical variation, residue mobility, and thermodynamic stability) performed at Invitae indicates that this missense variant is not expected to disrupt TSC2 protein function with a negative predictive value of 95%. In summary, the available evidence is currently insufficient to determine the role of this variant in disease. Therefore, it has been classified as a Variant of Uncertain Significance.

Ambry Genetics
Classification: Uncertain significance for Hereditary cancer-predisposing syndrome. Last evaluated: 2023-06-04. Review status: criteria provided, single submitter. Criteria: Ambry Variant Classification Scheme 2023. Collection method: clinical testing. Allele origin: germline.
Comment: The p.R1570G variant (also known as c.4708A>G), located in coding exon 36 of the TSC2 gene, results from an A to G substitution at nucleotide position 4708. The arginine at codon 1570 is replaced by glycine, an amino acid with dissimilar properties. This amino acid position is conserved. In addition, this alteration is predicted to be deleterious by in silico analysis. Since supporting evidence is limited at this time, the clinical significance of this alteration remains unclear.

NM_000548.5(TSC2):c.4708A>G (p.Arg1570Gly)

Gene: TSC2 (TSC complex subunit 2; plus strand). Cytogenetic location: 16p13.3.
Variant type: single nucleotide variant.
Coding change: c.4708A>G on transcript NM_000548.5 (MANE Select); coding-DNA position 4708, A replaced by G.
Protein change: p.Arg1570Gly; replaces arginine 1570 with glycine.
Molecular consequence: missense variant.
Genome position (GRCh38, 1-based): chr16:2,086,238, A>G. VCF-style: chr16-2086238-A-G. GRCh37 (hg19) VCF-style: chr16-2136239-A-G.
Other names: c.4507A>G, p.Arg1503Gly (NM_001077183.3); c.4639A>G, p.Arg1547Gly (NM_001114382.3); c.4399A>G, p.Arg1467Gly (NM_001318827.2); c.4363A>G, p.Arg1455Gly (NM_001318829.2); c.3976A>G, p.Arg1326Gly (NM_001318831.2); c.4540A>G, p.Arg1514Gly (NM_001318832.2); c.4510A>G, p.Arg1504Gly (NM_001363528.2); c.4576A>G, p.Arg1526Gly (NM_001370404.1); and 2 more; short protein forms R1326G, R1455G, R1467G, R1503G, R1504G, R1514G, R1526G, R1527G.
Identifiers: ClinVar variation 998584 (VCV000998584.10), dbSNP rs45517365, ClinGen allele CA394307339.
Genomic context (GRCh38, chr16:2,086,238, plus strand): 5'-CCCCTCTCCCCACAGAGCAACAGCGAGCTCGCCATCCTGTCCAATGAGCATGGCTCCTAC[A>G]GGTACACGGAGTTCCTGACGGGCCTGGGCCGGCTCATCGAGCTGAAGGACTGCCAGCCGG-3'
Protein context (NP_000539.2, residues 1560-1580): AILSNEHGSY[Arg1570Gly]YTEFLTGLGR